The following is an entry in ClinVar:

ClinVar aggregate classification (germline): Pathogenic (1 of 4 stars; one submission).

Submission:

Labcorp Genetics (formerly Invitae), Labcorp
Classification: Pathogenic. Last evaluated: 2026-01-18. Review status: criteria provided, single submitter. Criteria: Invitae Variant Classification Sherloc (09022015). Collection method: clinical testing. Allele origin: germline.
Comment: This variant, c.2012_2020del, results in the deletion of 3 amino acid(s) of the CDAN1 protein (p.Pro671_Val673del), but otherwise preserves the integrity of the reading frame. This variant is not present in population databases (gnomAD no frequency). This variant has not been reported in the literature in individuals affected with CDAN1-related conditions. This variant disrupts a region of the CDAN1 protein in which other variant(s) (p.Pro672Leu) have been determined to be pathogenic (PMID: 12434312, 31900952, 33401150). This suggests that this is a clinically significant region of the protein, and that variants that disrupt it are likely to be disease-causing. For these reasons, this variant has been classified as Pathogenic.

Literature cited by the submitters: PubMed 12434312; PubMed 31900952; PubMed 33401150.

NC_000015.10:g.42730757_42730765del

Gene: CDAN1 (codanin 1; minus strand). Cytogenetic location: 15q15.2.
Variant type: Deletion.
Genome position: GRCh38 VCF-style: chr15-42730751-AGGACCGGAG-A. GRCh37 (hg19) VCF-style: chr15-43022949-AGGACCGGAG-A.
Identifiers: ClinVar variation 4698357 (VCV004698357.1).
Genomic context (GRCh38, chr15:42,730,751, plus strand): 5'-GGCACGGTGAGCACCGCCCGGCGGGCCTGCAGCCCTCGCTGCAGCAGAGTCCGCACATCC[AGGACCGGAG>A]GGACCTGGGAGGGCCAGAGCTCAGTCAGGGGGCAGGTCCCTAGGAAGGGCTGGGAGATGC-3'